The following is an entry in ClinVar:

ClinVar aggregate classification (germline): Uncertain significance (1 of 4 stars; one submission).

Conditions:
Bethlem myopathy 1A. Also called: MYOPATHY, BENIGN CONGENITAL, WITH CONTRACTURES; Bethlem Muscular Dystrophy; Bethlem myopathy 1. Identifiers: Orphanet 610, MedGen CN029274, MONDO:0024530, OMIM 158810.

Allele frequency attached by ClinVar (database versions not stated): gnomAD exomes 0.00001; gnomAD 0.00002; TOPMed 0.00002.
gnomAD v4.1: 17 of 1,614,088 alleles (0.0011%); highest among the groups gnomAD compares: African/African-American, 0.004%; no homozygotes.

Submission:

Labcorp Genetics (formerly Invitae), Labcorp
Classification: Uncertain significance for Bethlem myopathy 1A. Last evaluated: 2026-01-21. Review status: criteria provided, single submitter. Criteria: Invitae Variant Classification Sherloc (09022015). Collection method: clinical testing. Allele origin: germline.
Comment: This sequence change replaces arginine, which is basic and polar, with glutamine, which is neutral and polar, at codon 935 of the COL6A3 protein (p.Arg935Gln). This variant is not present in population databases (gnomAD no frequency). This variant has not been reported in the literature in individuals affected with COL6A3-related conditions. ClinVar contains an entry for this variant (Variation ID: 1423566). Invitae Evidence Modeling of protein sequence and biophysical properties (such as structural, functional, and spatial information, amino acid conservation, physicochemical variation, residue mobility, and thermodynamic stability) indicates that this missense variant is expected to disrupt COL6A3 protein function with a positive predictive value of 80%. In summary, the available evidence is currently insufficient to determine the role of this variant in disease. Therefore, it has been classified as a Variant of Uncertain Significance.

NM_004369.4(COL6A3):c.2804G>A (p.Arg935Gln)

Gene: COL6A3 (collagen type VI alpha 3 chain; minus strand). Cytogenetic location: 2q37.3.
Variant type: single nucleotide variant.
Coding change: c.2804G>A on transcript NM_004369.4 (MANE Select); coding-DNA position 2804, G replaced by A.
Protein change: p.Arg935Gln; replaces arginine 935 with glutamine.
Molecular consequence: missense variant.
Genome position (GRCh38, 1-based): chr2:237,377,038, C>T on the plus strand (G>A on the coding strand, the complement: COL6A3 is on the minus strand). VCF-style: chr2-237377038-C-T. GRCh37 (hg19) VCF-style: chr2-238285681-C-T.
Other names: c.1583G>A, p.Arg528Gln (NM_057164.5); c.2186G>A, p.Arg729Gln (NM_057165.5, NM_057167.4); c.983G>A, p.Arg328Gln (NM_057166.5); short protein forms R528Q, R328Q, R729Q, R935Q.
Identifiers: ClinVar variation 1423566 (VCV001423566.8), dbSNP rs762016120, ClinGen allele CA67825384.
Genomic context (GRCh38, chr2:237,377,038, plus strand): 5'-CGGTCAGATGACCTTCCTGCGACCAGCAGCACCAGGAACTGAAGCACTCCATCCTCGATC[C>T]GGCTGCCAGCAGACTTCACAAAAATGTACCTCTGTGCATAGTCCAGCGCGTAGCCCAGGT-3'
Protein context (NP_004360.2, residues 925-945): RYIFVKSAGS[Arg935Gln]IEDGVLQFLV